The following is an entry in ClinVar:

ClinVar aggregate classification (germline): Uncertain significance. Review status: criteria provided, multiple submitters, no conflicts (2 of 4 stars). 2 submissions from 2 submitters: Uncertain significance (2). Last evaluated 2023-12-11.

Conditions:
Joubert syndrome. Also called: JOUBERT-BOLTSHAUSER SYNDROME; Familial aplasia of the vermis. Identifiers: Orphanet 475, MedGen C5979921, MONDO:0018772.
Meckel-Gruber syndrome. Also called: Dysencephalia splachnocystica; DYSENCEPHALIA SPLANCHNOCYSTICA; GRUBER SYNDROME. Identifiers: Orphanet 564, MedGen C0265215, MONDO:0018921.

Allele frequency attached by ClinVar (database versions not stated): TOPMed below 0.00001; gnomAD 0.00001; gnomAD exomes 0.00002.
gnomAD v4.1: 22 of 1,611,660 alleles (0.0014%); highest among the groups gnomAD compares: Non-Finnish European, 0.0019%; no homozygotes.

Submissions (2):

Labcorp Genetics (formerly Invitae), Labcorp
Classification: Uncertain significance for Joubert syndrome; Meckel-Gruber syndrome. Last evaluated: 2023-12-11. Review status: criteria provided, single submitter. Criteria: Invitae Variant Classification Sherloc (09022015). Collection method: clinical testing. Allele origin: germline.
Comment: This sequence change replaces tryptophan, which is neutral and slightly polar, with arginine, which is basic and polar, at codon 343 of the CC2D2A protein (p.Trp343Arg). This variant is not present in population databases (gnomAD no frequency). This missense change has been observed in individual(s) with clinical features of Joubert syndrome and related disorders (Invitae). In at least one individual the data is consistent with being in trans (on the opposite chromosome) from a pathogenic variant. ClinVar contains an entry for this variant (Variation ID: 1025090). Advanced modeling of protein sequence and biophysical properties (such as structural, functional, and spatial information, amino acid conservation, physicochemical variation, residue mobility, and thermodynamic stability) has been performed at Invitae for this missense variant, however the output from this modeling did not meet the statistical confidence thresholds required to predict the impact of this variant on CC2D2A protein function. In summary, the available evidence is currently insufficient to determine the role of this variant in disease. Therefore, it has been classified as a Variant of Uncertain Significance.

Blueprint Genetics
Classification: Uncertain significance. Last evaluated: 2020-01-21. Review status: criteria provided, single submitter. Criteria: ACMG Guidelines, 2015. Collection method: clinical testing. Allele origin: germline.

NM_001378615.1(CC2D2A):c.1027T>C (p.Trp343Arg)

Genes: CC2D2A (coiled-coil and C2 domain containing 2A; plus strand), FBXL5 (F-box and leucine rich repeat protein 5; minus strand). Cytogenetic location: 4p15.32.
Variant type: single nucleotide variant.
Coding change: c.1027T>C on transcript NM_001378615.1 (MANE Select); coding-DNA position 1027, T replaced by C.
Protein change: p.Trp343Arg; replaces tryptophan 343 with arginine.
Molecular consequence: missense variant.
Genome position (GRCh38, 1-based): chr4:15,516,634, T>C. VCF-style: chr4-15516634-T-C. GRCh37 (hg19) VCF-style: chr4-15518257-T-C.
Other names: c.1027T>C, p.Trp343Arg (NM_001080522.2); c.880T>C, p.Trp294Arg (NM_001378617.1); short protein forms W294R, W343R.
Identifiers: ClinVar variation 1025090 (VCV001025090.11), dbSNP rs1222588033, ClinGen allele CA356409827.
Genomic context (GRCh38, chr4:15,516,634, plus strand): 5'-TTTCTGTTCGATTAGAAGAAAATGTTGCCATTCCCTCTGCTTCATCTACAGGAAAGAAGA[T>C]GGTTTGGAGATGACGGCAGGATCCTAGCTCTGCCAAACCCCATCAAGCCATTTCCTTCAA-3'
Protein context (NP_001365544.1, residues 333-353): RLLMQDPERR[Trp343Arg]FGDDGRILAL